The following is an entry in ClinVar:

ClinVar aggregate classification (germline): Uncertain significance (0 of 4 stars; one submission).

Conditions:
FZD4-related disorder. Also called: FZD4-related condition.

gnomAD v4.1: 2 of 1,613,588 alleles (0.00012%); highest among the groups gnomAD compares: Non-Finnish European, 0.000085%; no homozygotes.

Submission:

PreventionGenetics, part of Exact Sciences
Classification: Uncertain significance for FZD4-related condition. Last evaluated: 2024-04-17. Review status: no assertion criteria provided. Collection method: clinical testing. Allele origin: germline.
Comment: The FZD4 c.175A>G variant is predicted to result in the amino acid substitution p.Asn59Asp. To our knowledge, this variant has not been reported in the literature or in a large population database, indicating this variant is rare. At this time, the clinical significance of this variant is uncertain due to the absence of conclusive functional and genetic evidence.

NM_012193.4(FZD4):c.175A>G (p.Asn59Asp)

Gene: FZD4 (frizzled class receptor 4; minus strand). Cytogenetic location: 11q14.2.
Variant type: single nucleotide variant.
Coding change: c.175A>G on transcript NM_012193.4 (MANE Select); coding-DNA position 175, A replaced by G.
Protein change: p.Asn59Asp; replaces asparagine 59 with aspartic acid.
Molecular consequence: missense variant.
Genome position (GRCh38, 1-based): chr11:86,954,911, T>C on the plus strand (A>G on the coding strand, the complement: FZD4 is on the minus strand). VCF-style: chr11-86954911-T-C. GRCh37 (hg19) VCF-style: chr11-86665953-T-C.
Other names: short protein forms N59D.
Identifiers: ClinVar variation 3347902 (VCV003347902.1).
Genomic context (GRCh38, chr11:86,954,911, plus strand): 5'-GCTGCAGCTCGGCGTCCGTCTGCAGCTCGTGCCCAACCAGGTTGGGCATCTTGGTCACGT[T>C]GTAGCCGAGGTTCTGGCACATGGAGATGCGGATGGGGTCGCAGCGCCGCTCTTCCTCGTC-3'
Protein context (NP_036325.2, residues 49-69): RISMCQNLGY[Asn59Asp]VTKMPNLVGH